The following is an entry in ClinVar:

NM_024675.4(PALB2):c.3201+6T>A

Gene: PALB2 (partner and localizer of BRCA2; minus strand). Cytogenetic location: 16p12.2.
Variant type: single nucleotide variant.
Coding change: c.3201+6T>A on transcript NM_024675.4 (MANE Select); 6 bases into the intron after coding-DNA position 3201, T replaced by A.
Molecular consequence: intron variant.
Genome position (GRCh38, 1-based): chr16:23,613,998, A>T on the plus strand (T>A on the coding strand, the complement: PALB2 is on the minus strand). VCF-style: chr16-23613998-A-T. GRCh37 (hg19) VCF-style: chr16-23625319-A-T.
Identifiers: ClinVar variation 628207 (VCV000628207.16), dbSNP rs1567209787, ClinGen allele CA913188711.

ClinVar aggregate classification (germline): Uncertain significance. Review status: criteria provided, multiple submitters, no conflicts (2 of 4 stars). 3 submissions from 3 submitters: Uncertain significance (3). Last evaluated 2025-06-01.

Conditions:
Familial cancer of breast. Also called: BREAST CANCER, FAMILIAL; Hereditary breast cancer; hereditary breast carcinoma. Identifiers: Orphanet 227535, MedGen C0346153, MONDO:0016419, OMIM 114480. Disease mechanism: loss of function.
Hereditary cancer-predisposing syndrome. Also called: Neoplastic Syndromes, Hereditary; Tumor predisposition; Hereditary neoplastic syndrome; Hereditary Cancer Syndrome. Identifiers: Orphanet 140162, MedGen C0027672, MeSH D009386, MONDO:0015356.

Submissions (3):

Labcorp Genetics (formerly Invitae), Labcorp
Classification: Uncertain significance for Familial cancer of breast. Last evaluated: 2025-06-01. Review status: criteria provided, single submitter. Criteria: Invitae Variant Classification Sherloc (09022015). Collection method: clinical testing. Allele origin: germline.
Comment: This sequence change falls in intron 11 of the PALB2 gene. It does not directly change the encoded amino acid sequence of the PALB2 protein. It affects a nucleotide within the consensus splice site. This variant is not present in population databases (gnomAD no frequency). This variant has been observed in individual(s) with breast cancer (PMID: 34846068). ClinVar contains an entry for this variant (Variation ID: 628207). Variants that disrupt the consensus splice site are a relatively common cause of aberrant splicing (PMID: 17576681, 9536098). Studies have shown that this variant alters mRNA splicing and is expected to lead to the loss of protein expression (PMID: 34846068). In summary, the available evidence is currently insufficient to determine the role of this variant in disease. Therefore, it has been classified as a Variant of Uncertain Significance.

GeneDx
Classification: Uncertain significance. Last evaluated: 2020-05-04. Review status: criteria provided, single submitter. Criteria: GeneDx Variant Classification Process June 2021. Collection method: clinical testing. Allele origin: germline. Affected: yes.
Comment: In silico analysis supports that this variant does not alter splicing; Not observed at a significant frequency in large population cohorts (Lek 2016); Has not been previously published as pathogenic or benign to our knowledge

Color Diagnostics, LLC DBA Color Health
Classification: Uncertain significance for Hereditary cancer-predisposing syndrome. Last evaluated: 2018-10-19. Review status: criteria provided, single submitter. Criteria: ACMG Guidelines, 2015. Collection method: clinical testing. Allele origin: germline.

Literature cited by the submitters: PubMed 34846068 (cited by Labcorp Genetics (formerly Invitae), Labcorp); PubMed 17576681 (cited by Labcorp Genetics (formerly Invitae), Labcorp); PubMed 9536098 (cited by Labcorp Genetics (formerly Invitae), Labcorp).